The following is an entry in ClinVar:

NM_001348323.3(TRIP12):c.1671G>A (p.Met557Ile)

Gene: TRIP12 (thyroid hormone receptor interactor 12; minus strand). Cytogenetic location: 2q36.3.
Variant type: single nucleotide variant.
Coding change: c.1671G>A on transcript NM_001348323.3 (MANE Select); coding-DNA position 1671, G replaced by A.
Protein change: p.Met557Ile; replaces methionine 557 with isoleucine.
Molecular consequence: missense variant.
Genome position (GRCh38, 1-based): chr2:229,815,159, C>T on the plus strand (G>A on the coding strand, the complement: TRIP12 is on the minus strand). VCF-style: chr2-229815159-C-T. GRCh37 (hg19) VCF-style: chr2-230679875-C-T.
Other names: c.1671G>A, p.Met557Ile (NM_001284214.2, NM_001348315.2, NM_001348319.1 and 11 more transcripts); c.1545G>A, p.Met515Ile (NM_001284215.2, NM_001348316.2, NM_001348317.1 and 2 more transcripts); c.636G>A, p.Met212Ile (NM_001284216.2); c.1584G>A, p.Met528Ile (NM_001348332.1); c.1527G>A, p.Met509Ile (NM_004238.3); short protein forms M212I, M509I, M515I, M528I, M557I.
Identifiers: ClinVar variation 1697124 (VCV001697124.2), dbSNP rs2154282323, ClinGen allele CA350922378.

ClinVar aggregate classification (germline): Uncertain significance (1 of 4 stars; one submission).

Submission:

GeneDx
Classification: Uncertain significance. Last evaluated: 2022-01-17. Review status: criteria provided, single submitter. Criteria: GeneDx Variant Classification Process June 2021. Collection method: clinical testing. Allele origin: germline. Affected: yes.
Comment: Not observed at significant frequency in large population cohorts (gnomAD); In silico analysis supports that this missense variant has a deleterious effect on protein structure/function; Has not been previously published as pathogenic or benign to our knowledge